The following is an entry in ClinVar:

ClinVar aggregate classification (germline): Pathogenic. Review status: criteria provided, multiple submitters, no conflicts (2 of 4 stars). 2 submissions from 2 submitters: Pathogenic (2). Last evaluated 2026-04-23.

Conditions:
Hereditary cancer-predisposing syndrome. Also called: Neoplastic Syndromes, Hereditary; Tumor predisposition; Hereditary Cancer Syndrome; Hereditary neoplastic syndrome. Identifiers: Orphanet 140162, MedGen C0027672, MeSH D009386, MONDO:0015356.
Familial adenomatous polyposis 2. Also called: MYH-associated polyposis; FAP type 2; MUTYH Polyposis; COLORECTAL ADENOMATOUS POLYPOSIS, AUTOSOMAL RECESSIVE; ADENOMAS, MULTIPLE COLORECTAL, AUTOSOMAL RECESSIVE; Adenomas, multiple colorectal. Identifiers: Orphanet 220460, Orphanet 247798, MedGen C3272841, MONDO:0012041, OMIM 608456.

Submissions (2):

Ambry Genetics
Classification: Pathogenic for Hereditary cancer-predisposing syndrome. Last evaluated: 2026-04-23. Review status: criteria provided, single submitter. Criteria: Ambry Variant Classification Scheme 2023. Collection method: clinical testing. Allele origin: germline.
Comment: The c.1008_1009delTG pathogenic mutation, located in coding exon 12 of the MUTYH gene, results from a deletion of two nucleotides at nucleotide positions 1008 to 1009, causing a translational frameshift with a predicted alternate stop codon (p.G337Tfs*194). This variant occurs at the 3' terminus of the gene, is not expected to trigger nonsense-mediated mRNA decay, and impacts the last 39% of the protein. However, premature stop codons are typically deleterious in nature, the impacted region is critical for protein function, and a significant portion of the protein is affected (Ambry internal data). This variant is considered to be rare based on population cohorts in the Genome Aggregation Database (gnomAD). As such, this alteration is interpreted as a disease-causing mutation.

Labcorp Genetics (formerly Invitae), Labcorp
Classification: Pathogenic for Familial adenomatous polyposis 2. Last evaluated: 2022-06-09. Review status: criteria provided, single submitter. Criteria: Invitae Variant Classification Sherloc (09022015). Collection method: clinical testing. Allele origin: germline.
Comment: This sequence change creates a premature translational stop signal (p.Gly337Thrfs*194) in the MUTYH gene. While this is not anticipated to result in nonsense mediated decay, it is expected to disrupt the last 213 amino acid(s) of the MUTYH protein. For these reasons, this variant has been classified as Pathogenic. This variant disrupts a region of the MUTYH protein in which other variant(s) (p.Gly396Asp) have been determined to be pathogenic (PMID: 11818965, 15987719, 16557584, 18534194, 20848659, 23035301). This suggests that this is a clinically significant region of the protein, and that variants that disrupt it are likely to be disease-causing. This variant has not been reported in the literature in individuals affected with MUTYH-related conditions. This variant is not present in population databases (gnomAD no frequency).

Literature cited by the submitters: PubMed 11818965 (cited by Labcorp Genetics (formerly Invitae), Labcorp); PubMed 15987719 (cited by Labcorp Genetics (formerly Invitae), Labcorp); PubMed 16557584 (cited by Labcorp Genetics (formerly Invitae), Labcorp); PubMed 18534194 (cited by Labcorp Genetics (formerly Invitae), Labcorp); PubMed 20848659 (cited by Labcorp Genetics (formerly Invitae), Labcorp); PubMed 23035301 (cited by Labcorp Genetics (formerly Invitae), Labcorp).

NM_001048174.2(MUTYH):c.924_925del (p.Gly309fs)

Gene: MUTYH (mutY DNA glycosylase; minus strand). Cytogenetic location: 1p34.1.
Variant type: Deletion.
Coding change: c.924_925del on transcript NM_001048174.2 (MANE Select); coding-DNA positions 924 to 925, 2 bases deleted (TG; older notation c.924_925delTG).
Protein change: p.Gly309fs; shifts the reading frame from glycine 309.
Molecular consequence: frameshift variant. On other transcripts: non-coding transcript variant (2).
Genome position (GRCh38, 1-based): chr1:45,331,838-45,331,839, CA deleted on the plus strand (TG on the coding strand, the reverse complement: MUTYH is on the minus strand). VCF-style (leftmost placement, unchanged base first): chr1-45331837-CCA-C. GRCh37 (hg19) VCF-style: chr1-45797509-CCA-C.
Other names: c.924_925del, p.Gly309fs (NM_001048171.2, NM_001048173.2, NM_001293195.2); c.927_928del, p.Gly310fs (NM_001048172.2); c.1008_1009del, p.Gly337fs (NM_001128425.2); c.969_970del, p.Gly324fs (NM_001293190.2); c.957_958del, p.Gly320fs (NM_001293191.2); c.648_649del, p.Gly217fs (NM_001293192.2, NM_001293196.2); c.579_580del, p.Gly194fs (NM_001350650.2, NM_001350651.2); c.999_1000del, p.Gly334fs (NM_012222.3); and 1 more; short protein forms G337fs, G217fs, G309fs, G320fs, G310fs, G324fs, G194fs, G334fs.
Identifiers: ClinVar variation 1364709 (VCV001364709.7), dbSNP rs2149129901, ClinGen allele CA2573132035.
Genomic context (GRCh38, chr1:45,331,837, plus strand): 5'-TTGACCACTCCCAGGGTCTGGTCCCAGGGCTCCGAGGGAGGCAGGCACAGGTGGCACTGT[CCA>C]GTGTTGGGAGCTGGGAACGGAGATCCCCGAACCCTACTCAAGCCAAGAGGGCTTTAGGGG-3'